The following is an entry in ClinVar:

ClinVar aggregate classification (germline): Uncertain significance (1 of 4 stars; one submission).

Allele frequency attached by ClinVar (database versions not stated): gnomAD exomes below 0.00001; TOPMed below 0.00001; ExAC 0.00001; ESP Exome Variant Server 0.00008.
gnomAD v4.1: 4 of 1,613,020 alleles (0.00025%); highest among the groups gnomAD compares: African/African-American, 0.0013%; no homozygotes.

Submission:

Labcorp Genetics (formerly Invitae), Labcorp
Classification: Uncertain significance. Last evaluated: 2022-06-12. Review status: criteria provided, single submitter. Criteria: Invitae Variant Classification Sherloc (09022015). Collection method: clinical testing. Allele origin: germline.
Comment: In summary, the available evidence is currently insufficient to determine the role of this variant in disease. Therefore, it has been classified as a Variant of Uncertain Significance. Algorithms developed to predict the effect of missense changes on protein structure and function (SIFT, PolyPhen-2, Align-GVGD) all suggest that this variant is likely to be tolerated. This variant has not been reported in the literature in individuals affected with MTTP-related conditions. This variant is not present in population databases (gnomAD no frequency). This sequence change replaces methionine, which is neutral and non-polar, with leucine, which is neutral and non-polar, at codon 84 of the MTTP protein (p.Met84Leu).

NM_001386140.1(MTTP):c.250A>T (p.Met84Leu)

Gene: MTTP (microsomal triglyceride transfer protein; plus strand). Cytogenetic location: 4q23.
Variant type: single nucleotide variant.
Coding change: c.250A>T on transcript NM_001386140.1 (MANE Select); coding-DNA position 250, A replaced by T.
Protein change: p.Met84Leu; replaces methionine 84 with leucine.
Molecular consequence: missense variant. On other transcripts: initiator codon variant (1).
Genome position (GRCh38, 1-based): chr4:99,583,374, A>T. VCF-style: chr4-99583374-A-T. GRCh37 (hg19) VCF-style: chr4-100504531-A-T.
Other names: c.250A>T, p.Met84Leu (NM_000253.4); c.1A>T, p.Met1Leu (NM_001300785.2); short protein forms M1L, M84L.
Identifiers: ClinVar variation 2004964 (VCV002004964.5), dbSNP rs374436584, ClinGen allele CA3021793.
Genomic context (GRCh38, chr4:99,583,374, plus strand): 5'-TACTCTGATGAAGACAGATATAGGAAGTTTTTTTTAACAGCTTTCTTTCTGTTACTCCAG[A>T]TGAAGGATGTAAATGTTGAAAATGTGAATCAGCAGAGAGGAGAGAAGAGCATCTTCAAAG-3'
Protein context (NP_001373069.1, residues 74-94): GDDDQLIQIT[Met84Leu]KDVNVENVNQ